The following is an entry in ClinVar:

NM_004304.5(ALK):c.2197A>T (p.Thr733Ser)

Gene: ALK (ALK receptor tyrosine kinase; minus strand). Cytogenetic location: 2p23.2.
Variant type: single nucleotide variant.
Coding change: c.2197A>T on transcript NM_004304.5 (MANE Select); coding-DNA position 2197, A replaced by T.
Protein change: p.Thr733Ser; replaces threonine 733 with serine.
Molecular consequence: missense variant.
Genome position (GRCh38, 1-based): chr2:29,251,112, T>A on the plus strand (A>T on the coding strand, the complement: ALK is on the minus strand). VCF-style: chr2-29251112-T-A. GRCh37 (hg19) VCF-style: chr2-29473978-T-A.
Other names: short protein forms T733S.
Identifiers: ClinVar variation 3223823 (VCV003223823.1), dbSNP rs2148197207, ClinGen allele CA346476683.

ClinVar aggregate classification (germline): Uncertain significance (1 of 4 stars; one submission).

Conditions:
Hereditary cancer-predisposing syndrome. Also called: Tumor predisposition; Hereditary neoplastic syndrome; Hereditary Cancer Syndrome; Neoplastic Syndromes, Hereditary. Identifiers: Orphanet 140162, MedGen C0027672, MeSH D009386, MONDO:0015356.

Allele frequency attached by ClinVar (database versions not stated): gnomAD exomes below 0.00001.
gnomAD v4.1: 2 of 1,613,944 alleles (0.00012%); highest among the groups gnomAD compares: Non-Finnish European, 0.00017%; no homozygotes.

Submission:

Ambry Genetics
Classification: Uncertain significance for Hereditary cancer-predisposing syndrome. Last evaluated: 2024-01-09. Review status: criteria provided, single submitter. Criteria: Ambry Variant Classification Scheme 2023. Collection method: clinical testing. Allele origin: germline.
Comment: The p.T733S variant (also known as c.2197A>T), located in coding exon 12 of the ALK gene, results from an A to T substitution at nucleotide position 2197. The threonine at codon 733 is replaced by serine, an amino acid with similar properties. This amino acid position is conserved. In addition, this alteration is predicted to be tolerated by in silico analysis. Since supporting evidence is limited at this time, the clinical significance of this alteration remains unclear.